The following is an entry in ClinVar:

ClinVar aggregate classification (germline): Likely benign (1 of 4 stars; one submission).

Allele frequency attached by ClinVar (database versions not stated): gnomAD 0.00001; gnomAD exomes 0.00002 and 0.00006; TOPMed 0.00002; ExAC 0.00003.
gnomAD v4.1: 26 of 1,614,094 alleles (0.0016%); highest among the groups gnomAD compares: East Asian, 0.056%; no homozygotes.

Submission:

GeneDx
Classification: Likely benign. Last evaluated: 2014-05-02. Review status: criteria provided, single submitter. Criteria: GeneDx Variant Classification (06012015). Collection method: clinical testing. Allele origin: germline. Affected: yes.
Comment: This variant is considered likely benign or benign based on one or more of the following criteria: it is a conservative change, it occurs at a poorly conserved position in the protein, it is predicted to be benign by multiple in silico algorithms, and/or has population frequency not consistent with disease.

NM_015443.4(KANSL1):c.100G>A (p.Ala34Thr)

Gene: KANSL1 (KAT8 regulatory NSL complex subunit 1). Cytogenetic location: 17q21.31.
Variant type: single nucleotide variant.
Coding change: c.100G>A on transcript NM_015443.4 (MANE Select); coding-DNA position 100, G replaced by A.
Protein change: p.Ala34Thr; replaces alanine 34 with threonine.
Molecular consequence: missense variant.
Genome position (GRCh38, 1-based): chr17:46,172,044, C>T on the plus strand (G>A on the coding strand, the complement: KANSL1 is on the minus strand). VCF-style: chr17-46172044-C-T. GRCh37 (hg19) VCF-style: chr17-44249410-C-T.
Other names: p.A34T:GCC>ACC; c.100G>A, p.Ala34Thr (NM_001193465.2, NM_001193466.2, NM_001379198.1); short protein forms A34T.
Identifiers: ClinVar variation 205763 (VCV000205763.1), dbSNP rs761416645, ClinGen allele CA315152.
Genomic context (GRCh38, chr17:46,172,044, plus strand): 5'-TGGCTTTTCTTTTGGTTCCGTTGGCAGCAATAAGGATGTTGGCGTTGCCGTTATTTTCGG[C>T]ACTGCCAGGGGACAAGGTAGAGGATGGGGGAGCCAGTTTGAACCGGATATGGTGTGCTTC-3'
Protein context (NP_056258.1, residues 24-44): PPSSTLSPGS[Ala34Thr]ENNGNANILI